The following is an entry in ClinVar:

ClinVar aggregate classification (germline): Uncertain significance. Review status: criteria provided, multiple submitters, no conflicts (2 of 4 stars). 2 submissions from 2 submitters: Uncertain significance (2). Last evaluated 2024-05-21.

Conditions:
Tumor predisposition syndrome 3 (TPDS3). Also called: Melanoma, cutaneous malignant, susceptibility to, 10; Glioma susceptibility 9; LONG TELOMERE SYNDROME, POT1-RELATED; POT1 Tumor Predisposition. Identifiers: Orphanet 618, MedGen C4014476, MONDO:0014368, OMIM 615848.
Hereditary cancer-predisposing syndrome. Also called: Hereditary Cancer Syndrome; Hereditary neoplastic syndrome; Neoplastic Syndromes, Hereditary; Tumor predisposition. Identifiers: Orphanet 140162, MedGen C0027672, MeSH D009386, MONDO:0015356.

Submissions (2):

Labcorp Genetics (formerly Invitae), Labcorp
Classification: Uncertain significance for Tumor predisposition syndrome 3. Last evaluated: 2024-05-21. Review status: criteria provided, single submitter. Criteria: Invitae Variant Classification Sherloc (09022015). Collection method: clinical testing. Allele origin: germline.
Comment: This sequence change replaces asparagine, which is neutral and polar, with serine, which is neutral and polar, at codon 225 of the POT1 protein (p.Asn225Ser). This variant is not present in population databases (gnomAD no frequency). This variant has not been reported in the literature in individuals affected with POT1-related conditions. ClinVar contains an entry for this variant (Variation ID: 1755217). Advanced modeling of protein sequence and biophysical properties (such as structural, functional, and spatial information, amino acid conservation, physicochemical variation, residue mobility, and thermodynamic stability) performed at Invitae indicates that this missense variant is not expected to disrupt POT1 protein function with a negative predictive value of 80%. In summary, the available evidence is currently insufficient to determine the role of this variant in disease. Therefore, it has been classified as a Variant of Uncertain Significance.

Ambry Genetics
Classification: Uncertain significance for Hereditary cancer-predisposing syndrome. Last evaluated: 2022-07-27. Review status: criteria provided, single submitter. Criteria: Ambry Variant Classification Scheme 2023. Collection method: clinical testing. Allele origin: germline.
Comment: The p.N225S variant (also known as c.674A>G), located in coding exon 5 of the POT1 gene, results from an A to G substitution at nucleotide position 674. The asparagine at codon 225 is replaced by serine, an amino acid with highly similar properties. This amino acid position is conserved. In addition, this alteration is predicted to be tolerated by in silico analysis. Since supporting evidence is limited at this time, the clinical significance of this alteration remains unclear.

NM_015450.3(POT1):c.674A>G (p.Asn225Ser)

Gene: POT1 (protection of telomeres 1; minus strand). Cytogenetic location: 7q31.33.
Variant type: single nucleotide variant.
Coding change: c.674A>G on transcript NM_015450.3 (MANE Select); coding-DNA position 674, A replaced by G.
Protein change: p.Asn225Ser; replaces asparagine 225 with serine.
Molecular consequence: missense variant. On other transcripts: non-coding transcript variant (3).
Genome position (GRCh38, 1-based): chr7:124,858,985, T>C on the plus strand (A>G on the coding strand, the complement: POT1 is on the minus strand). VCF-style: chr7-124858985-T-C. GRCh37 (hg19) VCF-style: chr7-124499039-T-C.
Other names: c.281A>G, p.Asn94Ser (NM_001042594.2); short protein forms N94S, N225S.
Identifiers: ClinVar variation 1755217 (VCV001755217.7), dbSNP rs2116525335, ClinGen allele CA369056104.